The following is an entry in ClinVar:

ClinVar aggregate classification (germline): Likely benign (1 of 4 stars; one submission).

Submission:

CeGaT Center for Human Genetics Tuebingen
Classification: Likely benign. Last evaluated: 2024-12-01. Review status: criteria provided, single submitter. Criteria: CeGaT Center For Human Genetics Tuebingen Variant Classification Criteria Version 2. Collection method: clinical testing. Allele origin: germline. Affected: yes. Observed: 1 variant allele.
Comment: DMXL2: PM2:Supporting, BP4, BP7

NM_001378457.1(DMXL2):c.291C>T (p.Leu97=)

Gene: DMXL2 (Dmx like 2; minus strand). Cytogenetic location: 15q21.2.
Variant type: single nucleotide variant.
Coding change: c.291C>T on transcript NM_001378457.1 (MANE Select); coding-DNA position 291, C replaced by T.
Protein change: p.Leu97=; no amino-acid change (leucine 97 retained).
Molecular consequence: synonymous variant. On other transcripts: non-coding transcript variant (2).
Genome position (GRCh38, 1-based): chr15:51,565,161, G>A on the plus strand (C>T on the coding strand, the complement: DMXL2 is on the minus strand). VCF-style: chr15-51565161-G-A. GRCh37 (hg19) VCF-style: chr15-51857358-G-A.
Other names: c.291C>T, p.Leu97= (NM_001174117.3, NM_001378458.1, NM_001378459.1 and 7 more transcripts).
Identifiers: ClinVar variation 3772065 (VCV003772065.13).